The following is an entry in ClinVar:

ClinVar aggregate classification (germline): Likely pathogenic (1 of 4 stars; one submission).

Conditions:
Asphyxiating thoracic dystrophy 3. Also called: Short rib polydactyly syndrome 2B; Saldino-Noonan Syndrome; POLYDACTYLY WITH NEONATAL CHONDRODYSTROPHY, TYPE I; SHORT-RIB THORACIC DYSPLASIA 3/6 WITH POLYDACTYLY, DIGENIC; SHORT-RIB THORACIC DYSPLASIA 3 WITH OR WITHOUT POLYDACTYLY. Identifiers: Orphanet 474, Orphanet 93269, Orphanet 93270, Orphanet 93271, MedGen C0036069, MONDO:0013127, OMIM 613091.

Submission:

Juno Genomics, Hangzhou Juno Genomics, Inc
Classification: Likely pathogenic for Asphyxiating thoracic dystrophy 3. Review status: criteria provided, single submitter. Criteria: ACMG Guidelines, 2015. Collection method: clinical testing. Allele origin: germline.
Comment: Absent from controls (or at extremely low frequency if recessive) in Genome Aggregation Database.;Null variant in a gene where loss of function (LOF) is a known mechanism of disease.

NM_001377.3(DYNC2H1):c.10605+2T>C

Gene: DYNC2H1 (dynein cytoplasmic 2 heavy chain 1; plus strand). Cytogenetic location: 11q22.3.
Variant type: single nucleotide variant.
Coding change: c.10605+2T>C on transcript NM_001377.3 (MANE Select); the canonical splice donor site of the intron after coding-DNA position 10605, T replaced by C.
Molecular consequence: splice donor variant.
Genome position (GRCh38, 1-based): chr11:103,257,753, T>C. VCF-style: chr11-103257753-T-C. GRCh37 (hg19) VCF-style: chr11-103128482-T-C.
Other names: c.10626+2T>C (NM_001080463.2).
Identifiers: ClinVar variation 5019553 (VCV005019553.3).